The following is an entry in ClinVar:

NM_001018005.2(TPM1):c.253G>A (p.Val85Ile)

Gene: TPM1 (tropomyosin 1; plus strand). Cytogenetic location: 15q22.2.
Variant type: single nucleotide variant.
Coding change: c.253G>A on transcript NM_001018005.2 (MANE Select); coding-DNA position 253, G replaced by A.
Protein change: p.Val85Ile; replaces valine 85 with isoleucine.
Molecular consequence: missense variant.
Genome position (GRCh38, 1-based): chr15:63,056,997, G>A. VCF-style: chr15-63056997-G-A. GRCh37 (hg19) VCF-style: chr15-63349196-G-A.
Other names: c.253G>A, p.Val85Ile (NM_000366.6, NM_001018004.2, NM_001018006.2 and 6 more transcripts); c.145G>A, p.Val49Ile (NM_001018008.2, NM_001301289.2, NM_001330344.2 and 5 more transcripts); c.379G>A, p.Val127Ile (NM_001365778.1); short protein forms V85I, V127I, V49I.
Identifiers: ClinVar variation 181683 (VCV000181683.11), dbSNP rs730881156, ClinGen allele CA018794.
Genomic context (GRCh38, chr15:63,056,997, plus strand): 5'-ACCCTCACTTTCTCCCCAACTCTGAAATGCTTTTCACTCTCTACCTAGGCTGAAGCCGAC[G>A]TAGCTTCTCTGAACAGACGCATCCAGCTGGTTGAGGAAGAGTTGGATCGTGCCCAGGAGC-3'
Protein context (NP_001018005.1, residues 75-95): EKKATDAEAD[Val85Ile]ASLNRRIQLV

ClinVar aggregate classification (germline): Uncertain significance. Review status: criteria provided, multiple submitters, no conflicts (2 of 4 stars). 3 submissions from 3 submitters: Uncertain significance (3). Last evaluated 2025-08-20.

Conditions:
Cardiomyopathy (CMYO). Also called: Cardiomyopathies. Identifiers: Orphanet 167848, MedGen C0878544, MONDO:0004994, HP:0001638. Inheritance: Various modes of inheritance.
Hypertrophic cardiomyopathy. Also called: HYPERTROPHIC MYOCARDIOPATHY. Identifiers: Orphanet 217569, MedGen C0007194, MeSH D002312, MONDO:0005045, HP:0001639.

Allele frequency attached by ClinVar (database versions not stated): ExAC 0.00001; gnomAD exomes below 0.00001.
gnomAD v4.1: 6 of 1,614,178 alleles (0.00037%); highest among the groups gnomAD compares: East Asian, 0.0022%; no homozygotes.

Submissions (3):

Labcorp Genetics (formerly Invitae), Labcorp
Classification: Uncertain significance for Hypertrophic cardiomyopathy. Last evaluated: 2025-08-20. Review status: criteria provided, single submitter. Criteria: Invitae Variant Classification Sherloc (09022015). Collection method: clinical testing. Allele origin: germline.
Comment: This sequence change replaces valine, which is neutral and non-polar, with isoleucine, which is neutral and non-polar, at codon 85 of the TPM1 protein (p.Val85Ile). This variant is not present in population databases (gnomAD no frequency). This missense change has been observed in individual(s) with hypertrophic cardiomyopathy (PMID: 29121657). ClinVar contains an entry for this variant (Variation ID: 181683). An algorithm developed to predict the effect of missense changes on protein structure and function (PolyPhen-2) suggests that this variant is likely to be disruptive. In summary, the available evidence is currently insufficient to determine the role of this variant in disease. Therefore, it has been classified as a Variant of Uncertain Significance.

All of Us Research Program, National Institutes of Health
Classification: Uncertain significance for Hypertrophic cardiomyopathy. Last evaluated: 2024-08-06. Review status: criteria provided, single submitter. Criteria: ACMG Guidelines, 2015. Collection method: clinical testing. Allele origin: germline. Inheritance: Autosomal dominant inheritance. Observed: 4 variant alleles, 4 heterozygotes.
Comment: This missense variant replaces valine with isoleucine at codon 85 of the TPM1 protein. Computational prediction is inconclusive regarding the impact of this variant on protein structure and function (internally defined REVEL score threshold 0.5 < inconclusive < 0.7, PMID: 27666373). To our knowledge, functional studies have not been reported for this variant. This variant has been reported in a familial case of hypertrophic cardiomyopathy with two carriers (PMID: 29121657). This variant has not been identified in the general population by the Genome Aggregation Database (gnomAD). The available evidence is insufficient to determine the role of this variant in disease conclusively. Therefore, this variant is classified as a Variant of Uncertain Significance.

This study involves interpretation of variants in research participants for the purpose of population health screening. Participant phenotype was not available at the time of variant classification. Additional details can be found in publication PMID: 35346344, PMCID: PMC8962531

Color Diagnostics, LLC DBA Color Health
Classification: Uncertain significance for Cardiomyopathy. Last evaluated: 2023-10-09. Review status: criteria provided, single submitter. Criteria: ACMG Guidelines, 2015. Collection method: clinical testing. Allele origin: germline.
Comment: This missense variant replaces valine with isoleucine at codon 85 of the TPM1 protein. Computational prediction is inconclusive regarding the impact of this variant on protein structure and function (internally defined REVEL score threshold 0.5 < inconclusive < 0.7, PMID: 27666373). To our knowledge, functional studies have not been reported for this variant. This variant has been reported in a familial case of hypertrophic cardiomyopathy with two carriers (PMID: 29121657). This variant has not been identified in the general population by the Genome Aggregation Database (gnomAD). The available evidence is insufficient to determine the role of this variant in disease conclusively. Therefore, this variant is classified as a Variant of Uncertain Significance.

Literature cited by the submitters: PubMed 29121657 (cited by 3 submitters).